The following is an entry in ClinVar:

ClinVar aggregate classification (germline): Uncertain significance. Review status: criteria provided, multiple submitters, no conflicts (2 of 4 stars). 3 submissions from 3 submitters: Uncertain significance (3). Last evaluated 2024-09-11.

Allele frequency attached by ClinVar (database versions not stated): gnomAD exomes 0.00002 and 0.00006; ExAC 0.00003; gnomAD 0.00003 and 0.00004; TOPMed 0.00005.
gnomAD v4.1: 86 of 1,613,382 alleles (0.0053%); highest among the groups gnomAD compares: Non-Finnish European, 0.0064%; no homozygotes.

Submissions (3):

Ambry Genetics
Classification: Uncertain significance. Last evaluated: 2024-09-11. Review status: criteria provided, single submitter. Criteria: Ambry Variant Classification Scheme 2023. Collection method: clinical testing. Allele origin: germline.

Labcorp Genetics (formerly Invitae), Labcorp
Classification: Uncertain significance. Last evaluated: 2024-08-04. Review status: criteria provided, single submitter. Criteria: Invitae Variant Classification Sherloc (09022015). Collection method: clinical testing. Allele origin: germline.
Comment: This sequence change replaces valine, which is neutral and non-polar, with isoleucine, which is neutral and non-polar, at codon 34 of the ROM1 protein (p.Val34Ile). This variant is present in population databases (rs779756067, gnomAD 0.008%). This variant has not been reported in the literature in individuals affected with ROM1-related conditions. ClinVar contains an entry for this variant (Variation ID: 1043729). Advanced modeling of protein sequence and biophysical properties (such as structural, functional, and spatial information, amino acid conservation, physicochemical variation, residue mobility, and thermodynamic stability) performed at Invitae indicates that this missense variant is not expected to disrupt ROM1 protein function with a negative predictive value of 80%. In summary, the available evidence is currently insufficient to determine the role of this variant in disease. Therefore, it has been classified as a Variant of Uncertain Significance.

Blueprint Genetics
Classification: Uncertain significance. Last evaluated: 2022-11-17. Review status: criteria provided, single submitter. Criteria: ACMG Guidelines, 2015. Collection method: clinical testing. Allele origin: germline.

NM_000327.4(ROM1):c.100G>A (p.Val34Ile)

Gene: ROM1 (retinal outer segment membrane protein 1; plus strand). Cytogenetic location: 11q12.3.
Variant type: single nucleotide variant.
Coding change: c.100G>A on transcript NM_000327.4 (MANE Select); coding-DNA position 100, G replaced by A.
Protein change: p.Val34Ile; replaces valine 34 with isoleucine.
Molecular consequence: missense variant.
Genome position (GRCh38, 1-based): chr11:62,613,381, G>A. VCF-style: chr11-62613381-G-A. GRCh37 (hg19) VCF-style: chr11-62380853-G-A.
Other names: c.100G>A (NM_000327.3); short protein forms V34I.
Identifiers: ClinVar variation 1043729 (VCV001043729.8), dbSNP rs779756067, ClinGen allele CA6049648.
Genomic context (GRCh38, chr11:62,613,381, plus strand): 5'-CGCATCCGCCTGGCACAAGGGCTCTGGCTCCTCTCCTGGCTGCTGGCGCTGGCTGGTGGC[G>A]TCATCCTCCTCTGTAGTGGGCACCTCCTGGTCCAGCTAAGGCACCTTGGCACCTTCCTGG-3'
Protein context (NP_000318.2, residues 24-44): LSWLLALAGG[Val34Ile]ILLCSGHLLV